The following is an entry in ClinVar:

ClinVar aggregate classification (germline): Conflicting classifications of pathogenicity. Review status: criteria provided, conflicting classifications (1 of 4 stars). 4 submissions from 4 submitters: Uncertain significance (1); Likely benign (2). 1 of the submissions does not count toward it. Last evaluated 2025-08-04.

Conditions:
ALKBH8-related disorder. Also called: ALKBH8-related condition.

Allele frequency attached by ClinVar (database versions not stated): gnomAD exomes 0.00018; ExAC 0.00134; gnomAD 0.00214; TOPMed 0.00226; 1000 Genomes Project 0.00319; ESP Exome Variant Server 0.00372; 1000 Genomes Project 30x 0.00406.
gnomAD v4.1: 590 of 1,544,776 alleles (0.038%); highest among the groups gnomAD compares: African/African-American, 0.72%; 5 homozygotes.

Submissions (4):

Ambry Genetics
Classification: Uncertain significance. Last evaluated: 2025-08-04. Review status: criteria provided, single submitter. Criteria: Ambry Variant Classification Scheme 2023. Collection method: clinical testing. Allele origin: germline.

Blueprint Genetics
Classification: Likely benign. Last evaluated: 2024-11-26. Review status: criteria provided, single submitter. Criteria: ACMG Guidelines, 2015. Collection method: clinical testing. Allele origin: germline.

CeGaT Center for Human Genetics Tuebingen
Classification: Likely benign. Last evaluated: 2023-08-01. Review status: criteria provided, single submitter. Criteria: CeGaT Center For Human Genetics Tuebingen Variant Classification Criteria Version 2. Collection method: clinical testing. Allele origin: germline. Affected: yes. Observed: 2 variant alleles.
Comment: ALKBH8: BP4, BS2

PreventionGenetics, part of Exact Sciences
Classification: Benign for ALKBH8-related condition. Last evaluated: 2019-10-29. Review status: no assertion criteria provided. Collection method: clinical testing. Allele origin: germline. Not counted in ClinVar's aggregate classification.
Comment: This variant is classified as benign based on ACMG/AMP sequence variant interpretation guidelines (Richards et al. 2015 PMID: 25741868, with internal and published modifications).

NM_138775.3(ALKBH8):c.1025A>G (p.Asn342Ser)

Gene: ALKBH8 (alkB homolog 8, tRNA methyltransferase; minus strand). Cytogenetic location: 11q22.3.
Variant type: single nucleotide variant.
Coding change: c.1025A>G on transcript NM_138775.3 (MANE Select); coding-DNA position 1025, A replaced by G.
Protein change: p.Asn342Ser; replaces asparagine 342 with serine.
Molecular consequence: missense variant. On other transcripts: non-coding transcript variant (6).
Genome position (GRCh38, 1-based): chr11:107,525,446, T>C on the plus strand (A>G on the coding strand, the complement: ALKBH8 is on the minus strand). VCF-style: chr11-107525446-T-C. GRCh37 (hg19) VCF-style: chr11-107396172-T-C.
Other names: c.1025A>G, p.Asn342Ser (NM_001301010.3, NM_001378133.1); c.1034A>G (NM_001301010.1); c.1025A>G (NM_138775.2); short protein forms N342S.
Identifiers: ClinVar variation 2642351 (VCV002642351.27), dbSNP rs61746596, ClinGen allele CA6261079.